The following is an entry in ClinVar:

ClinVar aggregate classification (germline): Likely benign. Review status: criteria provided, single submitter (1 of 4 stars). 2 submissions from 2 submitters: Likely benign (1). 1 of the submissions does not count toward it. Last evaluated 2026-05-01.

Conditions:
THSD1-related disorder. Also called: THSD1-related condition.

Allele frequency attached by ClinVar (database versions not stated): gnomAD exomes 0.00023; ExAC 0.00063; 1000 Genomes Project 0.00180; 1000 Genomes Project 30x 0.00219; gnomAD 0.00229; TOPMed 0.00273; ESP Exome Variant Server 0.00300.
gnomAD v4.1: 713 of 1,614,140 alleles (0.044%); highest among the groups gnomAD compares: African/African-American, 0.84%; 4 homozygotes.

Submissions (2):

CeGaT Center for Human Genetics Tuebingen
Classification: Likely benign. Last evaluated: 2026-05-01. Review status: criteria provided, single submitter. Criteria: CeGaT Center For Human Genetics Tuebingen Variant Classification Criteria Version 2. Collection method: clinical testing. Allele origin: germline. Affected: yes. Observed: 1 variant allele.
Comment: THSD1: BP4, BS2

PreventionGenetics, part of Exact Sciences
Classification: Benign for THSD1-related condition. Last evaluated: 2019-03-26. Review status: no assertion criteria provided. Collection method: clinical testing. Allele origin: germline. Not counted in ClinVar's aggregate classification.
Comment: This variant is classified as benign based on ACMG/AMP sequence variant interpretation guidelines (Richards et al. 2015 PMID: 25741868, with internal and published modifications).

NM_018676.4(THSD1):c.1356C>T (p.Asn452=)

Gene: THSD1 (thrombospondin type 1 domain containing 1; minus strand). Cytogenetic location: 13q14.3.
Variant type: single nucleotide variant.
Coding change: c.1356C>T on transcript NM_018676.4 (MANE Select); coding-DNA position 1356, C replaced by T.
Protein change: p.Asn452=; no amino-acid change (asparagine 452 retained).
Molecular consequence: synonymous variant.
Genome position (GRCh38, 1-based): chr13:52,378,614, G>A on the plus strand (C>T on the coding strand, the complement: THSD1 is on the minus strand). VCF-style: chr13-52378614-G-A. GRCh37 (hg19) VCF-style: chr13-52952749-G-A.
Other names: c.1197C>T, p.Asn399= (NM_199263.3).
Identifiers: ClinVar variation 3051745 (VCV003051745.4), dbSNP rs139197070, ClinGen allele CA6992014.